The following is an entry in ClinVar:

ClinVar aggregate classification (germline): Uncertain significance (1 of 4 stars; one submission).

Submission:

GeneDx
Classification: Uncertain significance. Last evaluated: 2023-05-16. Review status: criteria provided, single submitter. Criteria: GeneDx Variant Classification Process June 2021. Collection method: clinical testing. Allele origin: germline. Affected: yes.
Comment: Not observed at significant frequency in large population cohorts (gnomAD); In silico analysis supports that this missense variant has a deleterious effect on protein structure/function; Has not been previously published as pathogenic or benign to our knowledge

NM_181332.3(NLGN4X):c.1276G>C (p.Asp426His)

Gene: NLGN4X (neuroligin 4 X-linked; minus strand). Cytogenetic location: Xp22.32.
Variant type: single nucleotide variant.
Coding change: c.1276G>C on transcript NM_181332.3 (MANE Select); coding-DNA position 1276, G replaced by C.
Protein change: p.Asp426His; replaces aspartic acid 426 with histidine.
Molecular consequence: missense variant.
Genome position (GRCh38, 1-based): chrX:5,903,402, C>G on the plus strand (G>C on the coding strand, the complement: NLGN4X is on the minus strand). VCF-style: chrX-5903402-C-G. GRCh37 (hg19) VCF-style: chrX-5821443-C-G.
Other names: c.1276G>C, p.Asp426His (NM_001282145.2, NM_001282146.2, NM_020742.4); short protein forms D426H.
Identifiers: ClinVar variation 3343525 (VCV003343525.1).